The following is an entry in ClinVar:

NM_001267550.2(TTN):c.64682G>T (p.Gly21561Val)

Genes: TTN-AS1 (TTN antisense RNA 1; plus strand), TTN (titin; minus strand). Cytogenetic location: 2q31.2.
Variant type: single nucleotide variant.
Coding change: c.64682G>T on transcript NM_001267550.2 (MANE Select); coding-DNA position 64682, G replaced by T.
Protein change: p.Gly21561Val; replaces glycine 21561 with valine.
Molecular consequence: missense variant. On other transcripts: non-coding transcript variant (1).
Genome position (GRCh38, 1-based): chr2:178,584,959, C>A on the plus strand (G>T on the coding strand, the complement: TTN is on the minus strand). VCF-style: chr2-178584959-C-A. GRCh37 (hg19) VCF-style: chr2-179449686-C-A.
Other names: c.59759G>T, p.Gly19920Val (NM_001256850.1); c.37487G>T, p.Gly12496Val (NM_003319.4); c.37862G>T, p.Gly12621Val (NM_133432.3); c.38063G>T, p.Gly12688Val (NM_133437.4); c.56978G>T, p.Gly18993Val (NM_133378.4); short protein forms G18993V, G21561V, G12688V, G19920V, G12621V, G12496V.
Identifiers: ClinVar variation 178201 (VCV000178201.27), dbSNP rs111829923, ClinGen allele CA181761.

ClinVar aggregate classification (germline): Uncertain significance. Review status: criteria provided, multiple submitters, no conflicts (2 of 4 stars). 4 submissions from 4 submitters: Uncertain significance (4). Last evaluated 2026-04-10.

Conditions:
Cardiovascular phenotype. Identifiers: MedGen CN230736.

Allele frequency attached by ClinVar (database versions not stated): TOPMed below 0.00001; gnomAD 0.00001; gnomAD exomes 0.00001; 1000 Genomes Project 30x 0.00031.
gnomAD v4.1: 19 of 1,612,972 alleles (0.0012%); highest among the groups gnomAD compares: Non-Finnish European, 0.0015%; no homozygotes.

Submissions (4):

Women's Health and Genetics/Laboratory Corporation of America, LabCorp
Classification: Uncertain significance. Last evaluated: 2026-04-10. Review status: criteria provided, single submitter. Criteria: LabCorp Variant Classification Summary - May 2015. Collection method: clinical testing. Allele origin: germline.

CeGaT Center for Human Genetics Tuebingen
Classification: Uncertain significance. Last evaluated: 2025-04-01. Review status: criteria provided, single submitter. Criteria: CeGaT Center For Human Genetics Tuebingen Variant Classification Criteria Version 2. Collection method: clinical testing. Allele origin: germline. Affected: yes. Observed: 1 variant allele.

Ambry Genetics
Classification: Uncertain significance for Cardiovascular phenotype. Last evaluated: 2020-09-16. Review status: criteria provided, single submitter. Criteria: Ambry Variant Classification Scheme 2023. Collection method: clinical testing. Allele origin: germline.
Comment: The p.G12496V variant (also known as c.37487G>T), located in coding exon 137 of the TTN gene, results from a G to T substitution at nucleotide position 37487. The glycine at codon 12496 is replaced by valine, an amino acid with dissimilar properties. This amino acid position is highly conserved in available vertebrate species. In addition, the in silico prediction for this alteration is inconclusive. Since supporting evidence is limited at this time, the clinical significance of this alteration remains unclear.

Laboratory for Molecular Medicine, Mass General Brigham Personalized Medicine
Classification: Uncertain significance. Last evaluated: 2015-11-25. Review status: criteria provided, single submitter. Criteria: LMM Criteria. Collection method: clinical testing. Allele origin: germline. Observed: 1 variant allele.
Comment: proposed classification - variant undergoing re-assessment, contact laboratory